The following is an entry in ClinVar:

ClinVar aggregate classification (germline): Uncertain significance. Review status: criteria provided, multiple submitters, no conflicts (2 of 4 stars). 2 submissions from 2 submitters: Uncertain significance (2). Last evaluated 2025-11-12.

Allele frequency attached by ClinVar (database versions not stated): gnomAD exomes below 0.00001.
gnomAD v4.1: 8 of 1,613,304 alleles (0.0005%); highest among the groups gnomAD compares: East Asian, 0.0045%; no homozygotes.

Submissions (2):

Labcorp Genetics (formerly Invitae), Labcorp
Classification: Uncertain significance. Last evaluated: 2025-11-12. Review status: criteria provided, single submitter. Criteria: Invitae Variant Classification Sherloc (09022015). Collection method: clinical testing. Allele origin: germline.
Comment: This sequence change replaces glycine, which is neutral and non-polar, with valine, which is neutral and non-polar, at codon 811 of the TNNI3K protein (p.Gly811Val). This variant is present in population databases (rs375023664, gnomAD 0.006%). This variant has not been reported in the literature in individuals affected with TNNI3K-related conditions. ClinVar contains an entry for this variant (Variation ID: 1357410). An algorithm developed to predict the effect of missense changes on protein structure and function (PolyPhen-2) suggests that this variant is likely to be disruptive. Algorithms developed to predict the effect of sequence changes on RNA splicing suggest that this variant may disrupt the consensus splice site. In summary, the available evidence is currently insufficient to determine the role of this variant in disease. Therefore, it has been classified as a Variant of Uncertain Significance.

Blueprint Genetics
Classification: Uncertain significance. Last evaluated: 2019-12-12. Review status: criteria provided, single submitter. Criteria: ACMG Guidelines, 2015. Collection method: clinical testing. Allele origin: germline.

NM_015978.3(TNNI3K):c.2432G>T (p.Gly811Val)

Genes: FPGT-TNNI3K (FPGT-TNNI3K readthrough; plus strand), TNNI3K (TNNI3 interacting kinase; plus strand). Cytogenetic location: 1p31.1.
Variant type: single nucleotide variant.
Coding change: c.2432G>T on transcript NM_015978.3 (MANE Select); coding-DNA position 2432, G replaced by T.
Protein change: p.Gly811Val; replaces glycine 811 with valine.
Molecular consequence: missense variant.
Genome position (GRCh38, 1-based): chr1:74,543,906, G>T. VCF-style: chr1-74543906-G-T. GRCh37 (hg19) VCF-style: chr1-75009590-G-T.
Other names: c.2735G>T, p.Gly912Val (NM_001112808.3); short protein forms G811V, G912V.
Identifiers: ClinVar variation 1357410 (VCV001357410.9), dbSNP rs375023664, ClinGen allele CA24576673.